The following is an entry in ClinVar:

NM_024570.4(RNASEH2B):c.394C>A (p.Pro132Thr)

Gene: RNASEH2B (ribonuclease H2 subunit B; plus strand). Cytogenetic location: 13q14.3.
Variant type: single nucleotide variant.
Coding change: c.394C>A on transcript NM_024570.4 (MANE Select); coding-DNA position 394, C replaced by A.
Protein change: p.Pro132Thr; replaces proline 132 with threonine.
Molecular consequence: missense variant.
Genome position (GRCh38, 1-based): chr13:50,934,957, C>A. VCF-style: chr13-50934957-C-A. GRCh37 (hg19) VCF-style: chr13-51509093-C-A.
Other names: c.394C>A, p.Pro132Thr (NM_001142279.2); short protein forms P132T.
Identifiers: ClinVar variation 1478714 (VCV001478714.6), dbSNP rs780398368, ClinGen allele CA388259250.

ClinVar aggregate classification (germline): Uncertain significance (1 of 4 stars; one submission).

Conditions:
Aicardi-Goutieres syndrome 2. Identifiers: Orphanet 51, MedGen C3489724, MONDO:0012429, OMIM 610181.

Allele frequency attached by ClinVar (database versions not stated): TOPMed below 0.00001.
gnomAD v4.1: 2 of 1,613,894 alleles (0.00012%); highest among the groups gnomAD compares: South Asian, 0.0022%; no homozygotes.

Submission:

Labcorp Genetics (formerly Invitae), Labcorp
Classification: Uncertain significance for Aicardi-Goutieres syndrome 2. Last evaluated: 2021-07-28. Review status: criteria provided, single submitter. Criteria: Invitae Variant Classification Sherloc (09022015). Collection method: clinical testing. Allele origin: germline.
Comment: Algorithms developed to predict the effect of missense changes on protein structure and function (SIFT, PolyPhen-2, Align-GVGD) all suggest that this variant is likely to be tolerated. This variant has not been reported in the literature in individuals affected with RNASEH2B-related conditions. This variant is not present in population databases (ExAC no frequency). This sequence change replaces proline with threonine at codon 132 of the RNASEH2B protein (p.Pro132Thr). The proline residue is weakly conserved and there is a small physicochemical difference between proline and threonine. In summary, the available evidence is currently insufficient to determine the role of this variant in disease. Therefore, it has been classified as a Variant of Uncertain Significance.